The following is an entry in ClinVar:

NM_000037.4(ANK1):c.5285G>A (p.Trp1762Ter)

Gene: ANK1 (ankyrin 1; minus strand). Cytogenetic location: 8p11.21.
Variant type: single nucleotide variant.
Coding change: c.5285G>A on transcript NM_000037.4 (MANE Select); coding-DNA position 5285, G replaced by A.
Protein change: p.Trp1762Ter; replaces tryptophan 1762 with a stop codon.
Molecular consequence: nonsense.
Genome position (GRCh38, 1-based): chr8:41,668,376, C>T on the plus strand (G>A on the coding strand, the complement: ANK1 is on the minus strand). VCF-style: chr8-41668376-C-T. GRCh37 (hg19) VCF-style: chr8-41525894-C-T.
Other names: c.5408G>A, p.Trp1803Ter (NM_001142446.2); c.5285G>A, p.Trp1762Ter (NM_020475.3, NM_020476.3); c.4799G>A, p.Trp1600Ter (NM_020477.3); short protein forms W1600*, W1762*, W1803*.
Identifiers: ClinVar variation 2751081 (VCV002751081.3), dbSNP rs2487606030, ClinGen allele CA371051358.

ClinVar aggregate classification (germline): Pathogenic (1 of 4 stars; one submission).

Submission:

Labcorp Genetics (formerly Invitae), Labcorp
Classification: Pathogenic. Last evaluated: 2023-08-07. Review status: criteria provided, single submitter. Criteria: Invitae Variant Classification Sherloc (09022015). Collection method: clinical testing. Allele origin: germline.
Comment: For these reasons, this variant has been classified as Pathogenic. This variant has not been reported in the literature in individuals affected with ANK1-related conditions. This variant is not present in population databases (gnomAD no frequency). This sequence change creates a premature translational stop signal (p.Trp1762*) in the ANK1 gene. It is expected to result in an absent or disrupted protein product. Loss-of-function variants in ANK1 are known to be pathogenic (PMID: 8640229).

Literature cited by the submitters: PubMed 8640229.